The following is an entry in ClinVar:

NM_139057.4(ADAMTS17):c.2590C>T (p.Arg864Trp)

Gene: ADAMTS17 (ADAM metallopeptidase with thrombospondin type 1 motif 17; minus strand). Cytogenetic location: 15q26.3.
Variant type: single nucleotide variant.
Coding change: c.2590C>T on transcript NM_139057.4 (MANE Select); coding-DNA position 2590, C replaced by T.
Protein change: p.Arg864Trp; replaces arginine 864 with tryptophan.
Molecular consequence: missense variant.
Genome position (GRCh38, 1-based): chr15:100,048,858, G>A on the plus strand (C>T on the coding strand, the complement: ADAMTS17 is on the minus strand). VCF-style: chr15-100048858-G-A. GRCh37 (hg19) VCF-style: chr15-100589063-G-A.
Other names: p.Arg864Trp; short protein forms R864W.
Identifiers: ClinVar variation 315266 (VCV000315266.11), dbSNP rs61757475, ClinGen allele CA7757680.

ClinVar aggregate classification (germline): Uncertain significance. Review status: criteria provided, multiple submitters, no conflicts (2 of 4 stars). 4 submissions from 4 submitters: Uncertain significance (4). Last evaluated 2025-11-06.

Conditions:
Weill-Marchesani 4 syndrome, recessive. Also called: Weill-Marchesani syndrome 4. Identifiers: Orphanet 363992, MedGen C2750787, MONDO:0013176, OMIM 613195.
Inborn genetic diseases. Identifiers: MedGen C0950123, MeSH D030342.

Allele frequency attached by ClinVar (database versions not stated): TOPMed 0.00014; gnomAD exomes 0.00018 and 0.00024; ExAC 0.00019; gnomAD 0.00024 and 0.00025; ESP Exome Variant Server 0.00031.

Submissions (4):

Mayo Clinic Laboratories, Mayo Clinic
Classification: Uncertain significance. Last evaluated: 2025-11-06. Review status: criteria provided, single submitter. Criteria: ACMG Guidelines, 2015. Collection method: clinical testing. Allele origin: germline. Observed: 1 variant allele.
Comment: BP4

Ambry Genetics
Classification: Uncertain significance for Inborn genetic diseases. Last evaluated: 2025-03-30. Review status: criteria provided, single submitter. Criteria: Ambry Variant Classification Scheme 2023. Collection method: clinical testing. Allele origin: germline.

Labcorp Genetics (formerly Invitae), Labcorp
Classification: Uncertain significance. Last evaluated: 2022-07-15. Review status: criteria provided, single submitter. Criteria: Invitae Variant Classification Sherloc (09022015). Collection method: clinical testing. Allele origin: germline.
Comment: This sequence change replaces arginine, which is basic and polar, with tryptophan, which is neutral and slightly polar, at codon 864 of the ADAMTS17 protein (p.Arg864Trp). This variant is present in population databases (rs61757475, gnomAD 0.09%). This variant has not been reported in the literature in individuals affected with ADAMTS17-related conditions. ClinVar contains an entry for this variant (Variation ID: 315266). Algorithms developed to predict the effect of missense changes on protein structure and function output the following: SIFT: "Not Available"; PolyPhen-2: "Benign"; Align-GVGD: "Not Available". The tryptophan amino acid residue is found in multiple mammalian species, which suggests that this missense change does not adversely affect protein function. In summary, the available evidence is currently insufficient to determine the role of this variant in disease. Therefore, it has been classified as a Variant of Uncertain Significance.

Illumina Laboratory Services, Illumina
Classification: Uncertain significance for Weill-Marchesani 4 syndrome, recessive. Last evaluated: 2018-01-13. Review status: criteria provided, single submitter. Criteria: ICSL Variant Classification Criteria 13 December 2019. Collection method: clinical testing. Allele origin: germline.